The following is an entry in ClinVar:

ClinVar aggregate classification (germline): Uncertain significance (1 of 4 stars; one submission).

Submission:

Labcorp Genetics (formerly Invitae), Labcorp
Classification: Uncertain significance. Last evaluated: 2025-10-24. Review status: criteria provided, single submitter. Criteria: Invitae Variant Classification Sherloc (09022015). Collection method: clinical testing. Allele origin: germline.
Comment: This sequence change replaces serine, which is neutral and polar, with glycine, which is neutral and non-polar, at codon 303 of the KIF23 protein (p.Ser303Gly). This variant is not present in population databases (gnomAD no frequency). This variant has not been reported in the literature in individuals affected with KIF23-related conditions. Invitae Evidence Modeling of protein sequence and biophysical properties (such as structural, functional, and spatial information, amino acid conservation, physicochemical variation, residue mobility, and thermodynamic stability) indicates that this missense variant is expected to disrupt KIF23 protein function with a positive predictive value of 80%. In summary, the available evidence is currently insufficient to determine the role of this variant in disease. Therefore, it has been classified as a Variant of Uncertain Significance.

NM_001367805.3(KIF23):c.949A>G (p.Ser317Gly)

Gene: KIF23 (kinesin family member 23; plus strand). Cytogenetic location: 15q23.
Variant type: single nucleotide variant.
Coding change: c.949A>G on transcript NM_001367805.3 (MANE Select); coding-DNA position 949, A replaced by G.
Protein change: p.Ser317Gly; replaces serine 317 with glycine.
Molecular consequence: missense variant. On other transcripts: non-coding transcript variant (2).
Genome position (GRCh38, 1-based): chr15:69,426,395, A>G. VCF-style: chr15-69426395-A-G. GRCh37 (hg19) VCF-style: chr15-69718734-A-G.
Other names: c.577A>G, p.Ser193Gly (NM_001281301.2); c.907A>G, p.Ser303Gly (NM_001367804.2, NM_004856.7, NM_138555.4); short protein forms S317G, S193G, S303G.
Identifiers: ClinVar variation 4769406 (VCV004769406.1).
Genomic context (GRCh38, chr15:69,426,395, plus strand): 5'-GGCCAGAAAAAGAGACGTATTGCTAATACCCATTTGAATCGTGAGTCCAGCCGTTCCCAT[A>G]GCGTGTTCAACATTAAATTAGTTCAGGCTCCCTTGGATGCAGATGGAGACAATGTCTTAC-3'
Protein context (NP_001354734.1, residues 307-327): HLNRESSRSH[Ser317Gly]VFNIKLVQAP